The following is an entry in ClinVar:

NM_001377540.1(SLMAP):c.1622A>G (p.Gln541Arg)

Gene: SLMAP (sarcolemma associated protein; plus strand). Cytogenetic location: 3p14.3.
Variant type: single nucleotide variant.
Coding change: c.1622A>G on transcript NM_001377540.1 (MANE Select); coding-DNA position 1622, A replaced by G.
Protein change: p.Gln541Arg; replaces glutamine 541 with arginine.
Molecular consequence: missense variant. On other transcripts: intron variant (12).
Genome position (GRCh38, 1-based): chr3:57,908,004, A>G. VCF-style: chr3-57908004-A-G. GRCh37 (hg19) VCF-style: chr3-57893731-A-G.
Other names: c.1571A>G, p.Gln524Arg (NM_001304420.3, NM_001377541.1, NM_001377542.1); c.1457A>G, p.Gln486Arg (NM_001304421.2, NM_001377557.1, NM_001377559.1); c.173A>G, p.Gln58Arg (NM_001304422.3, NM_001311178.2); c.1622A>G, p.Gln541Arg (NM_001377538.1, NM_001377539.1); c.1559A>G, p.Gln520Arg (NM_001377545.1); c.1520A>G, p.Gln507Arg (NM_001377549.1, NM_007159.5); c.1508A>G, p.Gln503Arg (NM_001377551.1, NM_001377552.1); c.1502-1072A>G (NM_001377555.1); and 7 more; short protein forms Q486R, Q507R, Q524R, Q541R, Q503R, Q58R, Q520R.
Identifiers: ClinVar variation 4690728 (VCV004690728.1).

ClinVar aggregate classification (germline): Uncertain significance (1 of 4 stars; one submission).

Conditions:
Brugada syndrome. Also called: Sudden unexpected nocturnal death syndrome; Sudden Unexplained Nocturnal Death Syndrome (SUNDS); Sudden Unexplained Death Syndrome; Sudden unexplained nocturnal death syndrome. Identifiers: Orphanet 130, MedGen C1142166, MONDO:0015263.

Submission:

Labcorp Genetics (formerly Invitae), Labcorp
Classification: Uncertain significance for Brugada syndrome. Last evaluated: 2026-01-21. Review status: criteria provided, single submitter. Criteria: Invitae Variant Classification Sherloc (09022015). Collection method: clinical testing. Allele origin: germline.
Comment: This sequence change replaces glutamine, which is neutral and polar, with arginine, which is basic and polar, at codon 507 of the SLMAP protein (p.Gln507Arg). This variant is not present in population databases (gnomAD no frequency). This variant has not been reported in the literature in individuals affected with SLMAP-related conditions. An algorithm developed to predict the effect of missense changes on protein structure and function (PolyPhen-2) suggests that this variant is likely to be disruptive. In summary, the available evidence is currently insufficient to determine the role of this variant in disease. Therefore, it has been classified as a Variant of Uncertain Significance.